The following is an entry in ClinVar:

ClinVar aggregate classification (germline): Uncertain significance. Review status: criteria provided, multiple submitters, no conflicts (2 of 4 stars). 3 submissions from 3 submitters: Uncertain significance (3). Last evaluated 2025-07-19.

Conditions:
Hereditary cancer-predisposing syndrome. Also called: Neoplastic Syndromes, Hereditary; Tumor predisposition; Hereditary neoplastic syndrome; Hereditary Cancer Syndrome. Identifiers: Orphanet 140162, MedGen C0027672, MeSH D009386, MONDO:0015356.
Familial cancer of breast. Also called: BREAST CANCER, FAMILIAL; hereditary breast carcinoma; Hereditary breast cancer. Identifiers: Orphanet 227535, MedGen C0346153, MONDO:0016419, OMIM 114480. Disease mechanism: loss of function.

gnomAD v4.1: 3 of 1,607,466 alleles (0.00019%); highest among the groups gnomAD compares: Non-Finnish European, 0.00025%; no homozygotes.

Submissions (3):

Ambry Genetics
Classification: Uncertain significance for Hereditary cancer-predisposing syndrome. Last evaluated: 2025-07-19. Review status: criteria provided, single submitter. Criteria: Ambry Variant Classification Scheme 2023. Collection method: clinical testing. Allele origin: germline.
Comment: The p.M26L variant (also known as c.76A>C), located in coding exon 1 of the BARD1 gene, results from an A to C substitution at nucleotide position 76. The methionine at codon 26 is replaced by leucine, an amino acid with highly similar properties. This amino acid position is highly conserved in available vertebrate species. In addition, the in silico prediction for this alteration is inconclusive. Since supporting evidence is limited at this time, the clinical significance of this alteration remains unclear.

Labcorp Genetics (formerly Invitae), Labcorp
Classification: Uncertain significance for Familial cancer of breast. Last evaluated: 2025-02-23. Review status: criteria provided, single submitter. Criteria: Invitae Variant Classification Sherloc (09022015). Collection method: clinical testing. Allele origin: germline.
Comment: This sequence change replaces methionine, which is neutral and non-polar, with leucine, which is neutral and non-polar, at codon 26 of the BARD1 protein (p.Met26Leu). This variant is not present in population databases (gnomAD no frequency). This variant has not been reported in the literature in individuals affected with BARD1-related conditions. ClinVar contains an entry for this variant (Variation ID: 663307). An algorithm developed to predict the effect of missense changes on protein structure and function (PolyPhen-2) suggests that this variant is likely to be tolerated. In summary, the available evidence is currently insufficient to determine the role of this variant in disease. Therefore, it has been classified as a Variant of Uncertain Significance.

ARUP Laboratories, Molecular Genetics and Genomics, ARUP Laboratories
Classification: Uncertain significance for Familial cancer of breast. Last evaluated: 2025-01-16. Review status: criteria provided, single submitter. Criteria: ARUP Molecular Germline Variant Investigation Process 2024. Collection method: clinical testing. Allele origin: germline.
Comment: The BARD1 c.76A>C; p.Met26Leu variant (rs587781570), to our knowledge, is not reported in the medical literature but is reported in ClinVar (Variation ID: 663307). This variant is absent from the Genome Aggregation Database (v2.1.1), indicating it is not a common polymorphism. Computational analyses are uncertain whether this variant is neutral or deleterious (REVEL: 0.474). Due to limited information, the clinical significance of this variant is uncertain at this time.

NM_000465.4(BARD1):c.76A>C (p.Met26Leu)

Gene: BARD1 (BRCA1 associated RING domain 1; minus strand). Cytogenetic location: 2q35.
Variant type: single nucleotide variant.
Coding change: c.76A>C on transcript NM_000465.4 (MANE Select); coding-DNA position 76, A replaced by C.
Protein change: p.Met26Leu; replaces methionine 26 with leucine.
Molecular consequence: missense variant. On other transcripts: non-coding transcript variant (3).
Genome position (GRCh38, 1-based): chr2:214,809,494, T>G on the plus strand (A>C on the coding strand, the complement: BARD1 is on the minus strand). VCF-style: chr2-214809494-T-G. GRCh37 (hg19) VCF-style: chr2-215674218-T-G.
Other names: c.76A>C, p.Met26Leu (NM_001282543.2, NM_001282545.2, NM_001282548.2 and 1 more transcripts); short protein forms M26L.
Identifiers: ClinVar variation 663307 (VCV000663307.14), dbSNP rs587781570, ClinGen allele CA350465150.